The following is an entry in ClinVar:

NM_133443.4(GPT2):c.286G>A (p.Gly96Arg)

Gene: GPT2 (glutamic--pyruvic transaminase 2; plus strand). Cytogenetic location: 16q11.2.
Variant type: single nucleotide variant.
Coding change: c.286G>A on transcript NM_133443.4 (MANE Select); coding-DNA position 286, G replaced by A.
Protein change: p.Gly96Arg; replaces glycine 96 with arginine.
Molecular consequence: missense variant. On other transcripts: 5 prime UTR variant (1).
Genome position (GRCh38, 1-based): chr16:46,897,690, G>A. VCF-style: chr16-46897690-G-A. GRCh37 (hg19) VCF-style: chr16-46931602-G-A.
Other names: c.286G>A (NM_133443.2); c.-15G>A (NM_001142466.3); short protein forms G96R.
Identifiers: ClinVar variation 1339470 (VCV001339470.3), dbSNP rs778445616, ClinGen allele CA8038542.
Genomic context (GRCh38, chr16:46,897,690, plus strand): 5'-TGCTTTCTCTCTGCCCAGGGTATCAAAAAGCCATTCACAGAGGTCATCCGAGCCAACATC[G>A]GGGACGCCCAGGCTATGGGGCAGCAGCCAATCACCTTCCTCCGGCAGGTGAGCCGCCCCC-3'
Protein context (NP_597700.1, residues 86-106): PFTEVIRANI[Gly96Arg]DAQAMGQQPI

ClinVar aggregate classification (germline): Conflicting classifications of pathogenicity. Review status: criteria provided, conflicting classifications (1 of 4 stars). 2 submissions from 2 submitters: Likely pathogenic (1); Uncertain significance (1). Last evaluated 2022-09-07.

Conditions:
Intellectual disability. Also called: Intellectual functioning disability; intellectual disabilities; Intellectual developmental disorder. Identifiers: MedGen C3714756, MeSH D008607, MONDO:0001071, HP:0001249.

Allele frequency attached by ClinVar (database versions not stated): ExAC 0.00001; gnomAD exomes 0.00002; TOPMed 0.00008; gnomAD 0.00014.
gnomAD v4.1: 28 of 1,613,982 alleles (0.0017%); highest among the groups gnomAD compares: Admixed American, 0.04%; no homozygotes.

Submissions (2):

GeneDx
Classification: Uncertain significance. Last evaluated: 2022-09-07. Review status: criteria provided, single submitter. Criteria: GeneDx Variant Classification Process June 2021. Collection method: clinical testing. Allele origin: germline. Affected: yes.
Comment: In silico analysis supports that this missense variant has a deleterious effect on protein structure/function; This variant is associated with the following publications: (PMID: 35793769, 29192671, 29226631, 31978613, 29882329, 28130718)

Cytogénomique, Hospices Civils de Lyon
Classification: Likely pathogenic for Intellectual disability. Last evaluated: 2022-02-07. Review status: criteria provided, single submitter. Criteria: ACMG Guidelines, 2015. Collection method: clinical testing. Allele origin: biparental. Inheritance: Autosomal recessive inheritance. Affected: yes. Observed: 1 variant allele, 1 homozygote.
Comment: missense variant predicted deleterious, homozygous